The following is an entry in ClinVar:

NM_015295.3(SMCHD1):c.4774G>T (p.Val1592Leu)

Gene: SMCHD1 (structural maintenance of chromosomes flexible hinge domain containing 1; plus strand). Cytogenetic location: 18p11.32.
Variant type: single nucleotide variant.
Coding change: c.4774G>T on transcript NM_015295.3 (MANE Select); coding-DNA position 4774, G replaced by T.
Protein change: p.Val1592Leu; replaces valine 1592 with leucine.
Molecular consequence: missense variant.
Genome position (GRCh38, 1-based): chr18:2,769,748, G>T. VCF-style: chr18-2769748-G-T. GRCh37 (hg19) VCF-style: chr18-2769746-G-T.
Other names: short protein forms V1592L.
Identifiers: ClinVar variation 661722 (VCV000661722.8), dbSNP rs755339676, ClinGen allele CA8871568.

ClinVar aggregate classification (germline): Uncertain significance (1 of 4 stars; one submission).

Conditions:
Facioscapulohumeral muscular dystrophy 2 (FSHD2). Also called: MUSCULAR DYSTROPHY, FACIOSCAPULOHUMERAL, TYPE 1B; FACIOSCAPULOHUMERAL MUSCULAR DYSTROPHY 2, DIGENIC; FSHD2, DIGENIC. Identifiers: Orphanet 269, MedGen C1834671, MONDO:0008031, OMIM 158901.

Allele frequency attached by ClinVar (database versions not stated): gnomAD below 0.00001 and 0.00001; gnomAD exomes 0.00006; ExAC 0.00010.
gnomAD v4.1: 49 of 1,602,522 alleles (0.0031%); highest among the groups gnomAD compares: South Asian, 0.047%; no homozygotes.

Submission:

Labcorp Genetics (formerly Invitae), Labcorp
Classification: Uncertain significance for Facioscapulohumeral muscular dystrophy 2. Last evaluated: 2025-06-16. Review status: criteria provided, single submitter. Criteria: Invitae Variant Classification Sherloc (09022015). Collection method: clinical testing. Allele origin: germline.
Comment: This sequence change replaces valine, which is neutral and non-polar, with leucine, which is neutral and non-polar, at codon 1592 of the SMCHD1 protein (p.Val1592Leu). This variant is present in population databases (rs755339676, gnomAD 0.04%). This variant has not been reported in the literature in individuals affected with SMCHD1-related conditions. ClinVar contains an entry for this variant (Variation ID: 661722). Invitae Evidence Modeling of protein sequence and biophysical properties (such as structural, functional, and spatial information, amino acid conservation, physicochemical variation, residue mobility, and thermodynamic stability) indicates that this missense variant is not expected to disrupt SMCHD1 protein function with a negative predictive value of 80%. In summary, the available evidence is currently insufficient to determine the role of this variant in disease. Therefore, it has been classified as a Variant of Uncertain Significance.